The following is an entry in ClinVar:

NM_000051.4(ATM):c.5330T>C (p.Val1777Ala)

Gene: ATM (ATM serine/threonine kinase; plus strand). Cytogenetic location: 11q22.3.
Variant type: single nucleotide variant.
Coding change: c.5330T>C on transcript NM_000051.4 (MANE Select); coding-DNA position 5330, T replaced by C.
Protein change: p.Val1777Ala; replaces valine 1777 with alanine.
Molecular consequence: missense variant.
Genome position (GRCh38, 1-based): chr11:108,302,863, T>C. VCF-style: chr11-108302863-T-C. GRCh37 (hg19) VCF-style: chr11-108173590-T-C.
Other names: c.5330T>C, p.Val1777Ala (NM_001351834.2); short protein forms V1777A.
Identifiers: ClinVar variation 481246 (VCV000481246.5), dbSNP rs1555106328, ClinGen allele CA382543067.

ClinVar aggregate classification (germline): Uncertain significance (1 of 4 stars; one submission).

Conditions:
Hereditary cancer-predisposing syndrome. Also called: Hereditary Cancer Syndrome; Neoplastic Syndromes, Hereditary; Tumor predisposition; Hereditary neoplastic syndrome. Identifiers: Orphanet 140162, MedGen C0027672, MeSH D009386, MONDO:0015356.

Submission:

Ambry Genetics
Classification: Uncertain significance for Hereditary cancer-predisposing syndrome. Last evaluated: 2016-05-26. Review status: criteria provided, single submitter. Criteria: Ambry Variant Classification Scheme 2023. Collection method: clinical testing. Allele origin: germline.
Comment: The p.V1777A variant (also known as c.5330T>C), located in coding exon 35 of the ATM gene, results from a T to C substitution at nucleotide position 5330. The valine at codon 1777 is replaced by alanine, an amino acid with similar properties. This variant was not reported in population based cohorts in the following databases: Database of Single Nucleotide Polymorphisms (dbSNP), NHLBI Exome Sequencing Project (ESP), and 1000 Genomes Project. In the ESP, this variant was not observed in 6499 samples (12998 alleles) with coverage at this position. To date, this alteration has been detected with an allele frequency of approximately 0.001% (greater than 180000 alleles tested) in our clinical cohort. This amino acid position is well conserved in available vertebrate species. In addition, this alteration is predicted to be tolerated by in silico analysis. Since supporting evidence is limited at this time, the clinical significance of this alteration remains unclear.